The following is an entry in ClinVar:

ClinVar aggregate classification (germline): Pathogenic. Review status: criteria provided, single submitter (1 of 4 stars). 2 submissions from 2 submitters: Pathogenic (1). 1 of the submissions does not count toward it. Last evaluated 2023-08-04.

Conditions:
Growth hormone insensitivity with immune dysregulation 1, autosomal recessive. Also called: Laron syndrome with immunodeficiency; GROWTH HORMONE INSENSITIVITY DUE TO POSTRECEPTOR DEFECT; LARON SYNDROME DUE TO POSTRECEPTOR DEFECT; GROWTH HORMONE INSENSITIVITY SYNDROME WITH IMMUNE DYSREGULATION 1, AUTOSOMAL RECESSIVE. Identifiers: Orphanet 220465, MedGen C5435698, MONDO:0100211, OMIM 245590.

Submissions (2):

Labcorp Genetics (formerly Invitae), Labcorp
Classification: Pathogenic for Growth hormone insensitivity with immune dysregulation 1, autosomal recessive. Last evaluated: 2023-08-04. Review status: criteria provided, single submitter. Criteria: Invitae Variant Classification Sherloc (09022015). Collection method: clinical testing. Allele origin: germline.
Comment: ClinVar contains an entry for this variant (Variation ID: 840661). This premature translational stop signal has been observed in individual(s) with short stature (PMID: 34006472). This variant is not present in population databases (gnomAD no frequency). This sequence change creates a premature translational stop signal (p.Gln368Argfs*2) in the STAT5B gene. It is expected to result in an absent or disrupted protein product. Loss-of-function variants in STAT5B are known to be pathogenic (PMID: 15827093). For these reasons, this variant has been classified as Pathogenic.

Beijing Key Laboratory for Genetic Research of Skeletal Deformity, Peking Union Medical College Hospital
Classification: Likely pathogenic for Growth hormone insensitivity with immune dysregulation 1, autosomal recessive. Last evaluated: 2019-05-31. Review status: no assertion criteria provided. Collection method: research. Allele origin: unknown. Affected: yes. Not counted in ClinVar's aggregate classification.

Literature cited by the submitters: PubMed 34006472 (cited by Labcorp Genetics (formerly Invitae), Labcorp); PubMed 15827093 (cited by Labcorp Genetics (formerly Invitae), Labcorp).

NM_012448.4(STAT5B):c.1102del (p.Gln368fs)

Gene: STAT5B (signal transducer and activator of transcription 5B; minus strand). Cytogenetic location: 17q21.2.
Variant type: Deletion.
Coding change: c.1102del on transcript NM_012448.4 (MANE Select); coding-DNA position 1102, one base deleted (C; older notation c.1102delC).
Protein change: p.Gln368fs; shifts the reading frame from glutamine 368.
Molecular consequence: frameshift variant.
Genome position (GRCh38, 1-based): chr17:42,218,218, G deleted on the plus strand (C on the coding strand, the reverse complement: STAT5B is on the minus strand); the first of 8 consecutive G bases (chr17:42,218,218-42,218,225); deleting any one gives the same sequence. VCF-style (leftmost placement, unchanged base first): chr17-42218217-TG-T. GRCh37 (hg19) VCF-style: chr17-40370235-TG-T.
Other names: c.1102delC (NM_012448.3); short protein forms Q368fs.
Identifiers: ClinVar variation 840661 (VCV000840661.9), dbSNP rs761761205, ClinGen allele CA8574118.